The following is an entry in ClinVar:

ClinVar aggregate classification (germline): Uncertain significance. Review status: criteria provided, multiple submitters, no conflicts (2 of 4 stars). 2 submissions from 2 submitters: Uncertain significance (2). Last evaluated 2025-05-19.

Conditions:
Baller-Gerold syndrome (BGS). Also called: CRANIOSYNOSTOSIS WITH RADIAL DEFECTS. Identifiers: Orphanet 1225, MedGen C0265308, MONDO:0009039, OMIM 218600.

Allele frequency attached by ClinVar (database versions not stated): gnomAD 0.00002; TOPMed 0.00002; ExAC 0.00003; gnomAD exomes 0.00003.
gnomAD v4.1: 46 of 1,593,348 alleles (0.0029%); highest among the groups gnomAD compares: South Asian, 0.0066%; no homozygotes.

Submissions (2):

Labcorp Genetics (formerly Invitae), Labcorp
Classification: Uncertain significance for Baller-Gerold syndrome. Last evaluated: 2025-05-19. Review status: criteria provided, single submitter. Criteria: Invitae Variant Classification Sherloc (09022015). Collection method: clinical testing. Allele origin: germline.
Comment: This sequence change replaces glycine, which is neutral and non-polar, with arginine, which is basic and polar, at codon 806 of the RECQL4 protein (p.Gly806Arg). This variant is present in population databases (rs767102398, gnomAD 0.005%). This variant has not been reported in the literature in individuals affected with RECQL4-related conditions. ClinVar contains an entry for this variant (Variation ID: 406935). Invitae Evidence Modeling of protein sequence and biophysical properties (such as structural, functional, and spatial information, amino acid conservation, physicochemical variation, residue mobility, and thermodynamic stability) indicates that this missense variant is expected to disrupt RECQL4 protein function with a positive predictive value of 80%. In summary, the available evidence is currently insufficient to determine the role of this variant in disease. Therefore, it has been classified as a Variant of Uncertain Significance.

Eurofins Ntd Llc (ga)
Classification: Uncertain significance. Last evaluated: 2016-10-31. Review status: criteria provided, single submitter. Criteria: EGL Classification Definitions 2015. Collection method: clinical testing. Allele origin: germline. Observed: 1 variant allele, 1 heterozygote.

NM_004260.4(RECQL4):c.2416G>A (p.Gly806Arg)

Gene: RECQL4 (RecQ like helicase 4; minus strand). Cytogenetic location: 8q24.3.
Variant type: single nucleotide variant.
Coding change: c.2416G>A on transcript NM_004260.4 (MANE Select); coding-DNA position 2416, G replaced by A.
Protein change: p.Gly806Arg; replaces glycine 806 with arginine.
Molecular consequence: missense variant.
Genome position (GRCh38, 1-based): chr8:144,513,265, C>T on the plus strand (G>A on the coding strand, the complement: RECQL4 is on the minus strand). VCF-style: chr8-144513265-C-T. GRCh37 (hg19) VCF-style: chr8-145738648-C-T.
Other names: short protein forms G806R.
Identifiers: ClinVar variation 406935 (VCV000406935.11), dbSNP rs767102398, ClinGen allele CA4948303.